The following is an entry in ClinVar:

NM_001165963.4(SCN1A):c.4913T>A (p.Ile1638Asn)

Genes: SCN1A (sodium voltage-gated channel alpha subunit 1; minus strand), LOC102724058 (uncharacterized LOC102724058; plus strand). Cytogenetic location: 2q24.3.
Variant type: single nucleotide variant.
Coding change: c.4913T>A on transcript NM_001165963.4 (MANE Select); coding-DNA position 4913, T replaced by A.
Protein change: p.Ile1638Asn; replaces isoleucine 1638 with asparagine.
Molecular consequence: missense variant. On other transcripts: non-coding transcript variant (1).
Genome position (GRCh38, 1-based): chr2:165,992,362, A>T on the plus strand (T>A on the coding strand, the complement: SCN1A is on the minus strand). VCF-style: chr2-165992362-A-T. GRCh37 (hg19) VCF-style: chr2-166848872-A-T.
Other names: c.4829T>A, p.Ile1610Asn (NM_001165964.3, NM_001353957.2, NM_001353958.2); c.4913T>A, p.Ile1638Asn (NM_001202435.3, NM_001353948.2); c.4880T>A, p.Ile1627Asn (NM_001353949.2, NM_001353950.2, NM_001353951.2 and 2 more transcripts); c.4877T>A, p.Ile1626Asn (NM_001353954.2, NM_001353955.2); c.4826T>A, p.Ile1609Asn (NM_001353960.2); c.2471T>A, p.Ile824Asn (NM_001353961.2); short protein forms I1627N, I1638N, I1626N, I824N, I1609N, I1610N.
Identifiers: ClinVar variation 381568 (VCV000381568.3), dbSNP rs1057521079, ClinGen allele CA16603930.
Genomic context (GRCh38, chr2:165,992,362, plus strand): 5'-GTGCGGATCCCCTTTGCTCCTTTGATCAGACGTAGGATTCGGCCAATCCTAGCAAGACGG[A>T]TCACTCGGAACAGGGTAGGGGACACGAAATACTTTTCTATCAGCTCGGCAAGAAACATAC-3'
Protein context (NP_001159435.1, residues 1628-1648): YFVSPTLFRV[Ile1638Asn]RLARIGRILR

ClinVar aggregate classification (germline): Pathogenic/Likely pathogenic. Review status: criteria provided, multiple submitters, no conflicts (2 of 4 stars). 2 submissions from 2 submitters: Pathogenic (1); Likely pathogenic (1). Last evaluated 2018-06-25.

Conditions:
Generalized epilepsy with febrile seizures plus, type 2 (GEFSP2). Also called: GEFS+, TYPE 2. Identifiers: Orphanet 36387, MedGen C1858673, MONDO:0011461, OMIM 604403.

Submissions (2):

Cytogénomique, Hospices Civils de Lyon
Classification: Pathogenic for Generalized epilepsy with febrile seizures plus, type 2. Last evaluated: 2018-06-25. Review status: criteria provided, single submitter. Criteria: ACMG Guidelines, 2015. Collection method: clinical testing. Allele origin: de novo. Inheritance: Autosomal dominant inheritance. Affected: yes.

GeneDx
Classification: Likely pathogenic. Last evaluated: 2017-03-21. Review status: criteria provided, single submitter. Criteria: GeneDx Variant Classification (06012015). Collection method: clinical testing. Allele origin: germline. Affected: yes.
Comment: A I1638N variant that is likely pathogenic has been identified in the SCN1A gene. The I1638N variant has been reported previously as a de novo variant in an individual with severe myoclonic epilepsy of infancy (Wang et al., 2012). The I1638N variant is not observed in large population cohorts (Lek et al., 2016; 1000 Genomes Consortium et al., 2015; Exome Variant Server). The I1638N variant is a non-conservative amino acid substitution, which is likely to impact secondary protein structure as these residues differ in polarity, charge, size and/or other properties. Additionally, this substitution alters a conserved position predicted to be within the transmembrane segment S4 voltage sensor of the fourth homologous domain. Furthermore, in silico analysis predicts this variant is probably damaging to the protein structure/function. Missense variants in nearby residues (R1636Q, V1637E, R1639G, R1642S) have been reported in the Human Gene Mutation Database in association with SCN1A-related disorders (Stenson et al., 2014), supporting the functional importance of this region of the protein. Therefore, this variant is likely pathogenic; however, the possibility that it is benign cannot be excluded.